The following is an entry in ClinVar:

ClinVar aggregate classification (germline): Uncertain significance (1 of 4 stars; one submission).

Conditions:
Mitochondrial DNA depletion syndrome 13. Also called: FBXL4-Related Encephalomyopathic Mitochondrial DNA Depletion Syndrome; Mitochondrial DNA depletion syndrome 13 (encephalomyopathic type). Identifiers: Orphanet 369897, MedGen C3809592, MONDO:0014198, OMIM 615471.

Allele frequency attached by ClinVar (database versions not stated): gnomAD exomes below 0.00001; ExAC 0.00001.
gnomAD v4.1: 2 of 1,611,830 alleles (0.00012%); highest among the groups gnomAD compares: South Asian, 0.0011%; no homozygotes.

Submission:

Wong Mito Lab, Molecular and Human Genetics, Baylor College of Medicine
Classification: Uncertain significance for Mitochondrial DNA depletion syndrome 13. Last evaluated: 2017-08-10. Review status: criteria provided, single submitter. Criteria: ACMG Guidelines, 2015. Collection method: reference population. Allele origin: germline.
Comment: The NM_012160.4:c.1748C>G (NP_036292.2:p.Ser583Cys) [GRCH38: NC_000006.12:g.98874396G>C] variant in FBXL4 gene is interpretated to be a Uncertain Significance - Conflicting Evidence based on ACMG guidelines (PMID: 25741868). This variant meets one or more of the following evidence codes reported in the ACMG-guideline. PM2:This variant is absent in key population databases. BP4:Computational evidence/predictors indicate no impact on the FBXL4 structure, function, or protein-protein interaction. Based on this evidence code ClinGen Pathogenicity Calculator (PMID:28081714) suggested that the variant is Uncertain Significance - Conflicting Evidence.

NM_001278716.2(FBXL4):c.1748C>G (p.Ser583Cys)

Gene: FBXL4 (F-box and leucine rich repeat protein 4; minus strand). Cytogenetic location: 6q16.1.
Variant type: single nucleotide variant.
Coding change: c.1748C>G on transcript NM_001278716.2 (MANE Select); coding-DNA position 1748, C replaced by G.
Protein change: p.Ser583Cys; replaces serine 583 with cysteine.
Molecular consequence: missense variant. On other transcripts: non-coding transcript variant (1).
Genome position (GRCh38, 1-based): chr6:98,874,396, G>C on the plus strand (C>G on the coding strand, the complement: FBXL4 is on the minus strand). VCF-style: chr6-98874396-G-C. GRCh37 (hg19) VCF-style: chr6-99322272-G-C.
Other names: c.1748C>G, p.Ser583Cys (NM_012160.5); short protein forms S583C.
Identifiers: ClinVar variation 437808 (VCV000437808.1), dbSNP rs766646887, ClinGen allele CA3933349.